The following is an entry in ClinVar:

ClinVar aggregate classification (germline): Pathogenic (1 of 4 stars; one submission).

Conditions:
Joubert syndrome 21 (JBTS21). Identifiers: MedGen C3810212, MONDO:0014288, OMIM 615636.

Submission:

Labcorp Genetics (formerly Invitae), Labcorp
Classification: Pathogenic for Joubert syndrome 21. Last evaluated: 2022-07-19. Review status: criteria provided, single submitter. Criteria: Invitae Variant Classification Sherloc (09022015). Collection method: clinical testing. Allele origin: germline.
Comment: For these reasons, this variant has been classified as Pathogenic. This variant has not been reported in the literature in individuals affected with CSPP1-related conditions. This variant is a gross deletion of the genomic region encompassing exon(s) 14 of the CSPP1 gene. This deletion is out-of-frame, and is expected to create a premature termination codon and result in an absent or disrupted protein product. Loss-of-function variants in CSPP1 are known to be pathogenic (PMID: 24360807, 24360808).

Literature cited by the submitters: PubMed 24360807; PubMed 24360808.

NC_000008.10:g.(?_68044166)_(68044335_?)del

Gene: CSPP1 (centrosome and spindle pole associated protein 1; plus strand). Cytogenetic location: 8q13.2.
Variant type: Deletion.
Identifiers: ClinVar variation 1459004 (VCV001459004.5).